The following is an entry in ClinVar:

ClinVar aggregate classification (germline): Conflicting classifications of pathogenicity. Review status: criteria provided, conflicting classifications (1 of 4 stars). 5 submissions from 5 submitters: Uncertain significance (4); Likely benign (1). Last evaluated 2026-04-07.

Conditions:
REEP6-related disorder. Also called: REEP6-related condition.
Inborn genetic diseases. Identifiers: MedGen C0950123, MeSH D030342.

Allele frequency attached by ClinVar (database versions not stated): gnomAD exomes 0.00003 and 0.00005; ExAC 0.00009; ESP Exome Variant Server 0.00017; TOPMed 0.00018; 1000 Genomes Project 0.00020; gnomAD 0.00027 and 0.00028; 1000 Genomes Project 30x 0.00031.
gnomAD v4.1: 81 of 1,472,954 alleles (0.0055%); highest among the groups gnomAD compares: African/African-American, 0.093%; no homozygotes.

Submissions (5):

PreventionGenetics, part of Exact Sciences
Classification: Uncertain significance for REEP6-related condition. Last evaluated: 2026-04-07. Review status: criteria provided, single submitter. Criteria: ACMG Guidelines, 2015. Collection method: clinical testing. Allele origin: germline.
Comment: The REEP6 c.27G>C variant is predicted to result in the amino acid substitution p.Glu9Asp. To our knowledge, this variant has not been reported in the literature. This variant is reported in 0.076% of alleles in individuals of African descent in gnomAD. Although we suspect that this variant may be benign, at this time, the clinical significance of this variant is uncertain due to the absence of conclusive functional and genetic evidence.

Blueprint Genetics
Classification: Likely benign. Last evaluated: 2024-08-15. Review status: criteria provided, single submitter. Criteria: ACMG Guidelines, 2015. Collection method: clinical testing. Allele origin: germline.

Ambry Genetics
Classification: Uncertain significance for Inborn genetic diseases. Last evaluated: 2024-05-13. Review status: criteria provided, single submitter. Criteria: Ambry Variant Classification Scheme 2023. Collection method: clinical testing. Allele origin: germline.

Labcorp Genetics (formerly Invitae), Labcorp
Classification: Uncertain significance. Last evaluated: 2023-12-31. Review status: criteria provided, single submitter. Criteria: Invitae Variant Classification Sherloc (09022015). Collection method: clinical testing. Allele origin: germline.
Comment: This sequence change replaces glutamic acid, which is acidic and polar, with aspartic acid, which is acidic and polar, at codon 9 of the REEP6 protein (p.Glu9Asp). This variant is present in population databases (rs146326095, gnomAD 0.08%). This variant has not been reported in the literature in individuals affected with REEP6-related conditions. ClinVar contains an entry for this variant (Variation ID: 860974). Experimental studies and prediction algorithms are not available or were not evaluated, and the functional significance of this variant is currently unknown. In summary, the available evidence is currently insufficient to determine the role of this variant in disease. Therefore, it has been classified as a Variant of Uncertain Significance.

Breakthrough Genomics
Classification: Uncertain significance. Review status: criteria provided, single submitter. Criteria: ACMG Guidelines, 2015. Collection method: not provided. Allele origin: germline. Inheritance: Autosomal recessive inheritance. Affected: yes.

NM_138393.4(REEP6):c.27G>C (p.Glu9Asp)

Gene: REEP6 (receptor accessory protein 6; plus strand). Cytogenetic location: 19p13.3.
Variant type: single nucleotide variant.
Coding change: c.27G>C on transcript NM_138393.4 (MANE Select); coding-DNA position 27, G replaced by C.
Protein change: p.Glu9Asp; replaces glutamic acid 9 with aspartic acid.
Molecular consequence: missense variant.
Genome position (GRCh38, 1-based): chr19:1,491,296, G>C. VCF-style: chr19-1491296-G-C. GRCh37 (hg19) VCF-style: chr19-1491295-G-C.
Other names: c.27G>C, p.Glu9Asp (NM_001329556.3); c.27G>C (NM_138393.1); short protein forms E9D.
Identifiers: ClinVar variation 860974 (VCV000860974.11), dbSNP rs146326095, ClinGen allele CA9047372.